The following is an entry in ClinVar:

ClinVar aggregate classification (germline): Uncertain significance (1 of 4 stars; one submission).

Submission:

Ambry Genetics
Classification: Uncertain significance. Last evaluated: 2024-03-06. Review status: criteria provided, single submitter. Criteria: Ambry Variant Classification Scheme 2023. Collection method: clinical testing. Allele origin: germline.
Comment: The p.E2246V variant (also known as c.6737A>T), located in coding exon 23 of the POLQ gene, results from an A to T substitution at nucleotide position 6737. The glutamic acid at codon 2246 is replaced by valine, an amino acid with dissimilar properties. This amino acid position is conserved. In addition, the in silico prediction for this alteration is inconclusive. Since supporting evidence is limited at this time, the clinical significance of this alteration remains unclear.

NM_199420.4(POLQ):c.6737A>T (p.Glu2246Val)

Gene: POLQ (DNA polymerase theta; minus strand). Cytogenetic location: 3q13.33.
Variant type: single nucleotide variant.
Coding change: c.6737A>T on transcript NM_199420.4 (MANE Select); coding-DNA position 6737, A replaced by T.
Protein change: p.Glu2246Val; replaces glutamic acid 2246 with valine.
Molecular consequence: missense variant.
Genome position (GRCh38, 1-based): chr3:121,468,413, T>A on the plus strand (A>T on the coding strand, the complement: POLQ is on the minus strand). VCF-style: chr3-121468413-T-A. GRCh37 (hg19) VCF-style: chr3-121187260-T-A.
Other names: short protein forms E2246V.
Identifiers: ClinVar variation 1755167 (VCV001755167.2), dbSNP rs2546770789, ClinGen allele CA354111767.